The following is an entry in ClinVar:

ClinVar aggregate classification (germline): Uncertain significance (1 of 4 stars; one submission).

Conditions:
Hajdu-Cheney syndrome (HJCYS). Also called: Acroosteolysis dominant type; SERPENTINE FIBULA-POLYCYSTIC KIDNEY SYNDROME; ACROOSTEOLYSIS WITH OSTEOPOROSIS AND CHANGES IN SKULL AND MANDIBLE. Identifiers: Orphanet 955, MedGen C0917715, MONDO:0007057, OMIM 102500.

Submission:

Labcorp Genetics (formerly Invitae), Labcorp
Classification: Uncertain significance for Hajdu-Cheney syndrome. Last evaluated: 2025-05-27. Review status: criteria provided, single submitter. Criteria: Invitae Variant Classification Sherloc (09022015). Collection method: clinical testing. Allele origin: germline.
Comment: This sequence change replaces proline, which is neutral and non-polar, with serine, which is neutral and polar, at codon 2377 of the NOTCH2 protein (p.Pro2377Ser). This variant is present in population databases (no rsID available, gnomAD 0.01%). This variant has not been reported in the literature in individuals affected with NOTCH2-related conditions. Invitae Evidence Modeling of protein sequence and biophysical properties (such as structural, functional, and spatial information, amino acid conservation, physicochemical variation, residue mobility, and thermodynamic stability) indicates that this missense variant is not expected to disrupt NOTCH2 protein function with a negative predictive value of 80%. In summary, the available evidence is currently insufficient to determine the role of this variant in disease. Therefore, it has been classified as a Variant of Uncertain Significance.

NM_024408.4(NOTCH2):c.7129C>T (p.Pro2377Ser)

Gene: NOTCH2 (notch receptor 2; minus strand). Cytogenetic location: 1p12.
Variant type: single nucleotide variant.
Coding change: c.7129C>T on transcript NM_024408.4 (MANE Select); coding-DNA position 7129, C replaced by T.
Protein change: p.Pro2377Ser; replaces proline 2377 with serine.
Molecular consequence: missense variant.
Genome position (GRCh38, 1-based): chr1:119,915,593, G>A on the plus strand (C>T on the coding strand, the complement: NOTCH2 is on the minus strand). VCF-style: chr1-119915593-G-A. GRCh37 (hg19) VCF-style: chr1-120458216-G-A.
Other names: short protein forms P2377S.
Identifiers: ClinVar variation 4769835 (VCV004769835.1).